The following is an entry in ClinVar:

ClinVar aggregate classification (germline): Pathogenic/Likely pathogenic. Review status: criteria provided, multiple submitters, no conflicts (2 of 4 stars). 3 submissions from 3 submitters: Pathogenic (1); Likely pathogenic (2). Last evaluated 2025-12-15.

Conditions:
Vitamin D hydroxylation-deficient rickets, type 1B. Also called: Rickets due to Defect in Vitamin D 25-hydroxylation; PSEUDOVITAMIN D3 DEFICIENCY RICKETS DUE TO 25-HYDROXYLASE DEFICIENCY; VITAMIN D-DEPENDENT RICKETS, TYPE 1B. Identifiers: Orphanet 289157, MedGen C1838657, MONDO:0010810, OMIM 600081.

Allele frequency attached by ClinVar (database versions not stated): gnomAD exomes 0.00005 and 0.00021; ExAC 0.00006; TOPMed 0.00041; gnomAD 0.00056 and 0.00058.

Submissions (3):

Labcorp Genetics (formerly Invitae), Labcorp
Classification: Pathogenic. Last evaluated: 2025-12-15. Review status: criteria provided, single submitter. Criteria: Invitae Variant Classification Sherloc (09022015). Collection method: clinical testing. Allele origin: germline.
Comment: This sequence change creates a premature translational stop signal (p.Ile374Asnfs*12) in the CYP2R1 gene. It is expected to result in an absent or disrupted protein product. Loss-of-function variants in CYP2R1 are known to be pathogenic (PMID: 15128933, 22855339, 25942481, 33715104). This variant is present in population databases (rs782459395, gnomAD 0.1%). This variant has not been reported in the literature in individuals affected with CYP2R1-related conditions. ClinVar contains an entry for this variant (Variation ID: 1029900). For these reasons, this variant has been classified as Pathogenic.

Fulgent Genetics
Classification: Likely pathogenic for Vitamin D hydroxylation-deficient rickets, type 1B. Last evaluated: 2024-05-12. Review status: criteria provided, single submitter. Criteria: ACMG Guidelines, 2015. Collection method: clinical testing. Allele origin: germline.

Department of Pathology and Laboratory Medicine, Sinai Health System
Classification: Likely pathogenic for Vitamin D hydroxylation-deficient rickets, type 1B. Last evaluated: 2023-02-07. Review status: criteria provided, single submitter. Criteria: ACMG Guidelines, 2015. Collection method: research. Allele origin: germline.

Literature cited by the submitters: PubMed 15128933 (cited by Labcorp Genetics (formerly Invitae), Labcorp); PubMed 22855339 (cited by Labcorp Genetics (formerly Invitae), Labcorp); PubMed 25942481 (cited by Labcorp Genetics (formerly Invitae), Labcorp); PubMed 33715104 (cited by Labcorp Genetics (formerly Invitae), Labcorp).

NM_024514.5(CYP2R1):c.1120dup (p.Ile374fs)

Genes: CYP2R1 (cytochrome P450 family 2 subfamily R member 1; minus strand), PDE3B (phosphodiesterase 3B; plus strand). Cytogenetic location: 11p15.2.
Variant type: Duplication.
Coding change: c.1120dup on transcript NM_024514.5 (MANE Select); coding-DNA position 1120, one base duplicated (A; older notation c.1120dupA).
Protein change: p.Ile374fs; shifts the reading frame from isoleucine 374.
Molecular consequence: frameshift variant.
Genome position (GRCh38, 1-based): chr11:14,879,324, T duplicated on the plus strand (A on the coding strand, the reverse complement: CYP2R1 is on the minus strand). VCF-style (leftmost placement, unchanged base first): chr11-14879323-A-AT. GRCh37 (hg19) VCF-style: chr11-14900869-A-AT.
Other names: c.775dup, p.Ile259fs (NM_001377214.1, NM_001377215.1, NM_001377216.1 and 1 more transcripts); c.958dup, p.Ile320fs (NM_001377217.1); short protein forms I374fs, I259fs, I320fs.
Identifiers: ClinVar variation 1029900 (VCV001029900.8), dbSNP rs782459395, ClinGen allele CA5896555.